The following is an entry in ClinVar:

NM_001386795.1(DTNA):c.1082G>A (p.Arg361Lys)

Gene: DTNA (dystrobrevin alpha; plus strand). Cytogenetic location: 18q12.1.
Variant type: single nucleotide variant.
Coding change: c.1082G>A on transcript NM_001386795.1 (MANE Select); coding-DNA position 1082, G replaced by A.
Protein change: p.Arg361Lys; replaces arginine 361 with lysine.
Molecular consequence: missense variant. On other transcripts: intron variant (1).
Genome position (GRCh38, 1-based): chr18:34,827,673, G>A. VCF-style: chr18-34827673-G-A. GRCh37 (hg19) VCF-style: chr18-32407637-G-A.
Other names: c.1082G>A, p.Arg361Lys (NM_001128175.2, NM_001198938.2, NM_001198939.2 and 26 more transcripts); c.128G>A, p.Arg43Lys (NM_001198942.1, NM_001198944.1, NM_032980.4 and 1 more transcripts); c.332G>A, p.Arg111Lys (NM_001198943.1); c.1091G>A, p.Arg364Lys (NM_001386761.1, NM_001386775.1, NM_001390.5 and 5 more transcripts); c.603+15560G>A (NM_001198945.2); short protein forms R364K, R361K, R43K, R111K.
Identifiers: ClinVar variation 466625 (VCV000466625.9), dbSNP rs776353848, ClinGen allele CA8935570.

ClinVar aggregate classification (germline): Uncertain significance. Review status: criteria provided, multiple submitters, no conflicts (2 of 4 stars). 2 submissions from 2 submitters: Uncertain significance (2). Last evaluated 2026-05-11.

Conditions:
Left ventricular noncompaction 1 (LVNC1). Also called: LEFT VENTRICULAR NONCOMPACTION 1 WITH OR WITHOUT CONGENITAL HEART DEFECTS. Identifiers: Orphanet 54260, MedGen C1858725, MONDO:0011403, OMIM 604169.

Allele frequency attached by ClinVar (database versions not stated): ExAC 0.00001; gnomAD exomes 0.00001 and below 0.00001; TOPMed 0.00001; gnomAD 0.00003.
gnomAD v4.1: 9 of 1,613,586 alleles (0.00056%); highest among the groups gnomAD compares: African/African-American, 0.0013%; no homozygotes.

Submissions (2):

Women's Health and Genetics/Laboratory Corporation of America, LabCorp
Classification: Uncertain significance. Last evaluated: 2026-05-11. Review status: criteria provided, single submitter. Criteria: LabCorp Variant Classification Summary - May 2015. Collection method: clinical testing. Allele origin: germline.

Labcorp Genetics (formerly Invitae), Labcorp
Classification: Uncertain significance for Left ventricular noncompaction 1. Last evaluated: 2025-03-20. Review status: criteria provided, single submitter. Criteria: Invitae Variant Classification Sherloc (09022015). Collection method: clinical testing. Allele origin: germline.
Comment: This sequence change replaces arginine, which is basic and polar, with lysine, which is basic and polar, at codon 364 of the DTNA protein (p.Arg364Lys). This variant is present in population databases (rs776353848, gnomAD 0.007%). This variant has not been reported in the literature in individuals affected with DTNA-related conditions. ClinVar contains an entry for this variant (Variation ID: 466625). Invitae Evidence Modeling of protein sequence and biophysical properties (such as structural, functional, and spatial information, amino acid conservation, physicochemical variation, residue mobility, and thermodynamic stability) indicates that this missense variant is not expected to disrupt DTNA protein function with a negative predictive value of 80%. In summary, the available evidence is currently insufficient to determine the role of this variant in disease. Therefore, it has been classified as a Variant of Uncertain Significance.